The following is an entry in ClinVar:

NM_001012758.3(NUDT17):c.900_904del (p.Cys300fs)

Gene: NUDT17 (nudix hydrolase 17; plus strand). Cytogenetic location: 1q21.1.
Variant type: Deletion.
Coding change: c.900_904del on transcript NM_001012758.3 (MANE Select); coding-DNA positions 900 to 904, 5 bases deleted (TAAAA; older notation c.900_904delTAAAA).
Protein change: p.Cys300fs; shifts the reading frame from cysteine 300.
Molecular consequence: frameshift variant.
Genome position (GRCh38, 1-based): chr1:145,848,392-145,848,396, TAAAA deleted. VCF-style (leftmost placement, unchanged base first): chr1-145848391-GTAAAA-G. GRCh37 (hg19) VCF-style: chr1-145586671-CTTTTA-C.
Other names: short protein forms C300fs.
Identifiers: ClinVar variation 4980696 (VCV004980696.1).
Genomic context (GRCh38, chr1:145,848,391, plus strand): 5'-CGGGGGAAAGCAGGAAAGGACAACCTCTCTTGGAATTCCTCCACAGAACACCCCCACCGT[GTAAAA>G]GTGCAGCTTACCTGGACCCAGGGCCAGCAAAGGAAGAATGGAACATGGACCCTCTTCCCC-3'

ClinVar aggregate classification (germline): Likely benign (1 of 4 stars; one submission).

Conditions:
NUDT17-related condition.

Submission:

PreventionGenetics, part of Exact Sciences
Classification: Likely benign for NUDT17-related condition. Last evaluated: 2025-09-08. Review status: criteria provided, single submitter. Criteria: ACMG Guidelines, 2015. Collection method: clinical testing. Allele origin: germline.
Comment: This variant is classified as likely benign based on ACMG/AMP sequence variant interpretation guidelines (Richards et al. 2015 PMID: 25741868, with internal and published modifications).